The following is an entry in ClinVar:

NM_024301.5(FKRP):c.-253+5G>A

Genes: STRN4 (striatin 4; minus strand), FKRP (fukutin related protein; plus strand), LOC130064775 (ATAC-STARR-seq lymphoblastoid silent region 10825; plus strand). Cytogenetic location: 19q13.32.
Variant type: single nucleotide variant.
Coding change: c.-253+5G>A on transcript NM_024301.5 (MANE Select); 5 bases into the intron after 253 bases upstream of the start codon, G replaced by A.
Molecular consequence: intron variant.
Genome position (GRCh38, 1-based): chr19:46,746,095, G>A. VCF-style: chr19-46746095-G-A. GRCh37 (hg19) VCF-style: chr19-47249352-G-A.
Other names: c.282+54C>T (NM_013403.3, NM_001039877.2); c.-305+5G>A (NM_001039885.3).
Identifiers: ClinVar variation 3363381 (VCV003363381.2).

ClinVar aggregate classification (germline): Uncertain significance. Review status: criteria provided, multiple submitters, no conflicts (2 of 4 stars). 2 submissions from 2 submitters: Uncertain significance (2). Last evaluated 2024-06-19.

Conditions:
Autosomal recessive limb-girdle muscular dystrophy type 2I. Also called: MUSCULAR DYSTROPHY-DYSTROGLYCANOPATHY (LIMB-GIRDLE), TYPE C, 5; MUSCULAR DYSTROPHY-DYSTROGLYCANOPATHY, LIMB-GIRDLE, FRKP-RELATED; MUSCULAR DYSTROPHY, LIMB-GIRDLE, TYPE 2I. Identifiers: Orphanet 34515, MedGen C1846672, MONDO:0011787, OMIM 607155.

gnomAD v4.1: 1 of 1,369,236 alleles (0.000073%); highest among the groups gnomAD compares: Non-Finnish European, 0.000094%; no homozygotes.

Submissions (2):

Kariminejad - Najmabadi Pathology & Genetics Center
Classification: Uncertain significance for Autosomal recessive limb-girdle muscular dystrophy type 2I. Last evaluated: 2024-06-19. Review status: criteria provided, single submitter. Criteria: ACMG Guidelines, 2015. Collection method: clinical testing. Allele origin: germline. Inheritance: Autosomal recessive inheritance. Affected: yes.
Comment: PM2,PP3

GeneDx
Classification: Uncertain significance. Last evaluated: 2023-10-27. Review status: criteria provided, single submitter. Criteria: GeneDx Variant Classification Process June 2021. Collection method: clinical testing. Allele origin: germline. Affected: yes.
Comment: In silico analysis supports a deleterious effect on splicing; Has not been previously published as pathogenic or benign to our knowledge; No data available from control populations to assess the frequency of this variant